The following is an entry in ClinVar:

NM_000540.3(RYR1):c.4708-5C>G

Gene: RYR1 (ryanodine receptor 1; plus strand). Cytogenetic location: 19q13.2.
Variant type: single nucleotide variant.
Coding change: c.4708-5C>G on transcript NM_000540.3 (MANE Select); 5 bases into the intron before coding-DNA position 4708, C replaced by G.
Molecular consequence: intron variant.
Genome position (GRCh38, 1-based): chr19:38,483,285, C>G. VCF-style: chr19-38483285-C-G. GRCh37 (hg19) VCF-style: chr19-38973925-C-G.
Other names: c.4708-5C>G (NM_001042723.2).
Identifiers: ClinVar variation 3071340 (VCV003071340.3), dbSNP rs1036598529, ClinGen allele CA308090388.

ClinVar aggregate classification (germline): Conflicting classifications of pathogenicity. Review status: criteria provided, conflicting classifications (1 of 4 stars). 3 submissions from 3 submitters: Uncertain significance (2); Likely benign (1). Last evaluated 2025-12-06.

Conditions:
Malignant hyperthermia, susceptibility to, 1 (MHS1). Also called: Malignant hyperthermia suceptibility 1; Anesthesia related hyperthermia; Malignant hyperpyrexia; Fulminating hyperpyrexia; Pharmacogenic myopathy; RYR1-Related Malignant Hyperthermia Susceptibility. Identifiers: Orphanet 423, MedGen C2930980, MONDO:0007783, OMIM 145600.
RYR1-related disorder. Also called: RYR1-related disorders; RYR1-related condition. Identifiers: MedGen CN239331.

Allele frequency attached by ClinVar (database versions not stated): gnomAD 0.00001; TOPMed 0.00002.

Submissions (3):

Labcorp Genetics (formerly Invitae), Labcorp
Classification: Likely benign for RYR1-related disorder. Last evaluated: 2025-12-06. Review status: criteria provided, single submitter. Criteria: Invitae Variant Classification Sherloc (09022015). Collection method: clinical testing. Allele origin: germline.

Blueprint Genetics
Classification: Uncertain significance. Last evaluated: 2024-04-04. Review status: criteria provided, single submitter. Criteria: ACMG Guidelines, 2015. Collection method: clinical testing. Allele origin: germline.

All of Us Research Program, National Institutes of Health
Classification: Uncertain significance for Malignant hyperthermia, susceptibility to, 1. Last evaluated: 2023-10-02. Review status: criteria provided, single submitter. Criteria: ACMG Guidelines, 2015. Collection method: clinical testing. Allele origin: germline. Inheritance: Autosomal dominant inheritance. Observed: 3 variant alleles, 3 heterozygotes.
Comment: This variant causes a C to G nucleotide substitution at the -5 position of intron 32 of the RYR1 gene. To our knowledge, functional studies have not been reported for this variant. This variant has not been reported in individuals affected with RYR1-related disorders in the literature. This variant has not been identified in the general population by the Genome Aggregation Database (gnomAD). The available evidence is insufficient to determine the role of this variant in disease conclusively. Therefore, this variant is classified as a Variant of Uncertain Significance.

This study involves interpretation of variants in research participants for the purpose of population health screening. Participant phenotype was not available at the time of variant classification. Additional details can be found in publication PMID: 35346344, PMCID: PMC8962531